The following is an entry in ClinVar:

ClinVar aggregate classification (germline): Uncertain significance (1 of 4 stars; one submission).

Conditions:
Catecholaminergic polymorphic ventricular tachycardia 1. Also called: VENTRICULAR TACHYCARDIA, CATECHOLAMINERGIC POLYMORPHIC, 1, WITH OR WITHOUT ATRIAL DYSFUNCTION AND/OR DILATED CARDIOMYOPATHY; RYR2-Related Catecholaminergic Polymorphic Ventricular Tachycardia; VENTRICULAR TACHYCARDIA, STRESS-INDUCED POLYMORPHIC 1. Identifiers: Orphanet 3286, MedGen C1631597, MONDO:0011484, OMIM 604772.

Allele frequency attached by ClinVar (database versions not stated): TOPMed below 0.00001; ExAC 0.00001; gnomAD exomes 0.00001.
gnomAD v4.1: 12 of 1,606,344 alleles (0.00075%); highest among the groups gnomAD compares: Non-Finnish European, 0.001%; no homozygotes.

Submission:

Labcorp Genetics (formerly Invitae), Labcorp
Classification: Uncertain significance for Catecholaminergic polymorphic ventricular tachycardia 1. Last evaluated: 2024-05-06. Review status: criteria provided, single submitter. Criteria: Invitae Variant Classification Sherloc (09022015). Collection method: clinical testing. Allele origin: germline.
Comment: This sequence change replaces lysine, which is basic and polar, with glutamic acid, which is acidic and polar, at codon 354 of the TRDN protein (p.Lys354Glu). This variant is present in population databases (rs761972576, gnomAD 0.002%). This variant has not been reported in the literature in individuals affected with TRDN-related conditions. ClinVar contains an entry for this variant (Variation ID: 1472673). Advanced modeling of protein sequence and biophysical properties (such as structural, functional, and spatial information, amino acid conservation, physicochemical variation, residue mobility, and thermodynamic stability) performed at Invitae indicates that this missense variant is not expected to disrupt TRDN protein function with a negative predictive value of 80%. In summary, the available evidence is currently insufficient to determine the role of this variant in disease. Therefore, it has been classified as a Variant of Uncertain Significance.

NM_006073.4(TRDN):c.1060A>G (p.Lys354Glu)

Gene: TRDN (triadin; minus strand). Cytogenetic location: 6q22.31.
Variant type: single nucleotide variant.
Coding change: c.1060A>G on transcript NM_006073.4 (MANE Select); coding-DNA position 1060, A replaced by G.
Protein change: p.Lys354Glu; replaces lysine 354 with glutamic acid.
Molecular consequence: missense variant.
Genome position (GRCh38, 1-based): chr6:123,393,669, T>C on the plus strand (A>G on the coding strand, the complement: TRDN is on the minus strand). VCF-style: chr6-123393669-T-C. GRCh37 (hg19) VCF-style: chr6-123714814-T-C.
Other names: c.1063A>G, p.Lys355Glu (NM_001251987.2); short protein forms K355E, K354E.
Identifiers: ClinVar variation 1472673 (VCV001472673.8), dbSNP rs761972576, ClinGen allele CA3984136.
Genomic context (GRCh38, chr6:123,393,669, plus strand): 5'-TGTTTTATTGCTTACCTTGTGCTGCAATTTTTACAGTCCCTTGTTTGGTTTCAGAAGCTT[T>C]TCCCGGCTCTTGGAATGAAAAAAACATAAATTACCATGAAGTATGATTTTGGAAAAATAT-3'
Protein context (NP_006064.2, residues 344-364): AIDVEKKEPG[Lys354Glu]ASETKQGTVK